The following is an entry in ClinVar:

NM_000199.5(SGSH):c.1043T>C (p.Leu348Pro)

Gene: SGSH (N-sulfoglucosamine sulfohydrolase; minus strand). Cytogenetic location: 17q25.3.
Variant type: single nucleotide variant.
Coding change: c.1043T>C on transcript NM_000199.5 (MANE Select); coding-DNA position 1043, T replaced by C.
Protein change: p.Leu348Pro; replaces leucine 348 with proline.
Molecular consequence: missense variant. On other transcripts: 3 prime UTR variant (2), non-coding transcript variant (1).
Genome position (GRCh38, 1-based): chr17:80,210,918, A>G on the plus strand (T>C on the coding strand, the complement: SGSH is on the minus strand). VCF-style: chr17-80210918-A-G. GRCh37 (hg19) VCF-style: chr17-78184717-A-G.
Other names: c.*130T>C (NM_001352921.3); c.*93T>C (NM_001352922.2); short protein forms L348P.
Identifiers: ClinVar variation 1382621 (VCV001382621.5), dbSNP rs886321925, ClinGen allele CA401359260.

ClinVar aggregate classification (germline): Uncertain significance (1 of 4 stars; one submission).

Conditions:
Mucopolysaccharidosis, MPS-III-A (MPS3A). Also called: Mucopolysaccharidosis, type IIIA; mucopolysaccharidosis type 3A; MPS IIIA (Sanfilippo Syndrome Type A); HEPARAN SULFATE SULFATASE DEFICIENCY; Mucopolysaccharidosis type IIIA (Sanfilippo A); SANFILIPPO SYNDROME A. Identifiers: Orphanet 581, Orphanet 79269, MedGen C0086647, MONDO:0009655, OMIM 252900.

Allele frequency attached by ClinVar (database versions not stated): gnomAD exomes below 0.00001.
gnomAD v4.1: 1 of 1,609,664 alleles (0.000062%); highest among the groups gnomAD compares: Non-Finnish European, 0.000085%; no homozygotes.

Submission:

Labcorp Genetics (formerly Invitae), Labcorp
Classification: Uncertain significance for Mucopolysaccharidosis, MPS-III-A. Last evaluated: 2021-08-28. Review status: criteria provided, single submitter. Criteria: Invitae Variant Classification Sherloc (09022015). Collection method: clinical testing. Allele origin: germline.
Comment: This sequence change replaces leucine with proline at codon 348 of the SGSH protein (p.Leu348Pro). The leucine residue is highly conserved and there is a moderate physicochemical difference between leucine and proline. This variant is not present in population databases (ExAC no frequency). This variant has not been reported in the literature in individuals affected with SGSH-related conditions. Advanced modeling of protein sequence and biophysical properties (such as structural, functional, and spatial information, amino acid conservation, physicochemical variation, residue mobility, and thermodynamic stability) performed at Invitae indicates that this missense variant is expected to disrupt SGSH protein function. In summary, the available evidence is currently insufficient to determine the role of this variant in disease. Therefore, it has been classified as a Variant of Uncertain Significance.